The following is an entry in ClinVar:

ClinVar aggregate classification (germline): Benign. Review status: criteria provided, multiple submitters, no conflicts (2 of 4 stars). 3 submissions from 3 submitters: Benign (2). 1 of the submissions does not count toward it. Last evaluated 2025-12-24.

Conditions:
CTU2-related disorder. Also called: CTU2-related condition.

Allele frequency attached by ClinVar (database versions not stated): gnomAD exomes 0.01077; ExAC 0.01312; gnomAD 0.04047 and 0.04325; TOPMed 0.04487; ESP Exome Variant Server 0.04695; 1000 Genomes Project 0.04892; 1000 Genomes Project 30x 0.05262.
gnomAD v4.1: 11,901 of 1,612,210 alleles (0.74%); highest among the groups gnomAD compares: African/African-American, 14%; 776 homozygotes.

Submissions (3):

Labcorp Genetics (formerly Invitae), Labcorp
Classification: Benign. Last evaluated: 2025-12-24. Review status: criteria provided, single submitter. Criteria: Invitae Variant Classification Sherloc (09022015). Collection method: clinical testing. Allele origin: germline.

Breakthrough Genomics
Classification: Benign. Review status: criteria provided, single submitter. Criteria: ACMG Guidelines, 2015. Collection method: not provided. Allele origin: germline. Inheritance: Autosomal recessive inheritance. Affected: yes.

PreventionGenetics, part of Exact Sciences
Classification: Benign for CTU2-related condition. Last evaluated: 2019-04-05. Review status: no assertion criteria provided. Collection method: clinical testing. Allele origin: germline. Not counted in ClinVar's aggregate classification.
Comment: This variant is classified as benign based on ACMG/AMP sequence variant interpretation guidelines (Richards et al. 2015 PMID: 25741868, with internal and published modifications).

NM_001012759.3(CTU2):c.1065C>G (p.Thr355=)

Gene: CTU2 (cytosolic thiouridylase subunit 2; plus strand). Cytogenetic location: 16q24.3.
Variant type: single nucleotide variant.
Coding change: c.1065C>G on transcript NM_001012759.3 (MANE Select); coding-DNA position 1065, C replaced by G.
Protein change: p.Thr355=; no amino-acid change (threonine 355 retained).
Molecular consequence: synonymous variant.
Genome position (GRCh38, 1-based): chr16:88,714,195, C>G. VCF-style: chr16-88714195-C-G. GRCh37 (hg19) VCF-style: chr16-88780603-C-G.
Other names: c.1065C>G, p.Thr355= (NM_001012762.3); c.1278C>G, p.Thr426= (NM_001318507.2); c.804C>G, p.Thr268= (NM_001318513.2); c.1065C>G (NM_001012759.2).
Identifiers: ClinVar variation 1532872 (VCV001532872.11), dbSNP rs73262673, ClinGen allele CA8230758.